The following is an entry in ClinVar:

NM_015627.3(LDLRAP1):c.797G>A (p.Arg266Gln)

Gene: LDLRAP1 (low density lipoprotein receptor adaptor protein 1; plus strand). Cytogenetic location: 1p36.11.
Variant type: single nucleotide variant.
Coding change: c.797G>A on transcript NM_015627.3 (MANE Select); coding-DNA position 797, G replaced by A.
Protein change: p.Arg266Gln; replaces arginine 266 with glutamine.
Molecular consequence: missense variant.
Genome position (GRCh38, 1-based): chr1:25,566,862, G>A. VCF-style: chr1-25566862-G-A. GRCh37 (hg19) VCF-style: chr1-25893353-G-A.
Other names: short protein forms R266Q.
Identifiers: ClinVar variation 1761458 (VCV001761458.2), dbSNP rs781011515, ClinGen allele CA19649389.

ClinVar aggregate classification (germline): Uncertain significance (1 of 4 stars; one submission).

Conditions:
Cardiovascular phenotype. Identifiers: MedGen CN230736.

gnomAD v4.1: 13 of 1,610,760 alleles (0.00081%); highest among the groups gnomAD compares: African/African-American, 0.0027%; no homozygotes.

Submission:

Ambry Genetics
Classification: Uncertain significance for Cardiovascular phenotype. Last evaluated: 2022-06-12. Review status: criteria provided, single submitter. Criteria: Ambry Variant Classification Scheme 2023. Collection method: clinical testing. Allele origin: germline.
Comment: The p.R266Q variant (also known as c.797G>A), located in coding exon 9 of the LDLRAP1 gene, results from a G to A substitution at nucleotide position 797. The arginine at codon 266 is replaced by glutamine, an amino acid with highly similar properties. This amino acid position is conserved. In addition, this alteration is predicted to be deleterious by in silico analysis. Since supporting evidence is limited at this time, the clinical significance of this alteration remains unclear.